The following is an entry in ClinVar:

NM_022356.4(P3H1):c.211C>T (p.Leu71Phe)

Genes: P3H1 (prolyl 3-hydroxylase 1; minus strand), LOC129930352 (ATAC-STARR-seq lymphoblastoid silent region 767; plus strand). Cytogenetic location: 1p34.2.
Variant type: single nucleotide variant.
Coding change: c.211C>T on transcript NM_022356.4 (MANE Select); coding-DNA position 211, C replaced by T.
Protein change: p.Leu71Phe; replaces leucine 71 with phenylalanine.
Molecular consequence: missense variant.
Genome position (GRCh38, 1-based): chr1:42,766,761, G>A on the plus strand (C>T on the coding strand, the complement: P3H1 is on the minus strand). VCF-style: chr1-42766761-G-A. GRCh37 (hg19) VCF-style: chr1-43232432-G-A.
Other names: c.211C>T, p.Leu71Phe (NM_001146289.2, NM_001243246.2); c.211C>T (NM_022356.3); short protein forms L71F.
Identifiers: ClinVar variation 1388430 (VCV001388430.5), dbSNP rs1039698828, ClinGen allele CA21251529.

ClinVar aggregate classification (germline): Uncertain significance. Review status: criteria provided, multiple submitters, no conflicts (2 of 4 stars). 3 submissions from 3 submitters: Uncertain significance (3). Last evaluated 2023-04-11.

Conditions:
Inborn genetic diseases. Identifiers: MedGen C0950123, MeSH D030342.
Osteogenesis imperfecta type 8 (OI8). Identifiers: MedGen C1970458, MONDO:0012581, OMIM 610915.

Allele frequency attached by ClinVar (database versions not stated): gnomAD exomes below 0.00001 and 0.00001; gnomAD 0.00007 and 0.00008; TOPMed 0.00016.

Submissions (3):

Genome-Nilou Lab
Classification: Uncertain significance for Osteogenesis imperfecta type 8. Last evaluated: 2023-04-11. Review status: criteria provided, single submitter. Criteria: ACMG Guidelines, 2015. Collection method: clinical testing. Allele origin: germline. Affected: no.

Labcorp Genetics (formerly Invitae), Labcorp
Classification: Uncertain significance for Osteogenesis imperfecta type 8. Last evaluated: 2022-08-15. Review status: criteria provided, single submitter. Criteria: Invitae Variant Classification Sherloc (09022015). Collection method: clinical testing. Allele origin: germline.
Comment: This sequence change replaces leucine, which is neutral and non-polar, with phenylalanine, which is neutral and non-polar, at codon 71 of the P3H1 protein (p.Leu71Phe). The frequency data for this variant in the population databases is considered unreliable, as metrics indicate poor data quality at this position in the gnomAD database. This variant has not been reported in the literature in individuals affected with P3H1-related conditions. ClinVar contains an entry for this variant (Variation ID: 1388430). Algorithms developed to predict the effect of missense changes on protein structure and function (SIFT, PolyPhen-2, Align-GVGD) all suggest that this variant is likely to be tolerated. In summary, the available evidence is currently insufficient to determine the role of this variant in disease. Therefore, it has been classified as a Variant of Uncertain Significance.

Ambry Genetics
Classification: Uncertain significance for Inborn genetic diseases. Last evaluated: 2021-09-14. Review status: criteria provided, single submitter. Criteria: Ambry Variant Classification Scheme 2023. Collection method: clinical testing. Allele origin: germline.